The following is an entry in ClinVar:

ClinVar aggregate classification (germline): Uncertain significance. Review status: criteria provided, multiple submitters, no conflicts (2 of 4 stars). 2 submissions from 2 submitters: Uncertain significance (2). Last evaluated 2022-10-05.

Conditions:
Charcot-Marie-Tooth disease type 4. Also called: Charcot-Marie-Tooth disease, type IV; Charcot-Marie-Tooth, Type 4. Identifiers: Orphanet 64749, MedGen C4082197, MONDO:0018995.
FIG4-related disorder. Also called: FIG4-related disorders; FIG4-related condition.

Allele frequency attached by ClinVar (database versions not stated): gnomAD exomes below 0.00001; ExAC 0.00002; TOPMed 0.00004; gnomAD 0.00005; ESP Exome Variant Server 0.00015.
gnomAD v4.1: 11 of 1,613,912 alleles (0.00068%); highest among the groups gnomAD compares: African/African-American, 0.013%; no homozygotes.

Submissions (2):

PreventionGenetics, part of Exact Sciences
Classification: Uncertain significance for FIG4-related condition. Last evaluated: 2022-10-05. Review status: criteria provided, single submitter. Criteria: ACMG Guidelines, 2015. Collection method: clinical testing. Allele origin: germline.
Comment: The FIG4 c.1504A>G variant is predicted to result in the amino acid substitution p.Lys502Glu. To our knowledge, this variant has not been reported in the literature. This variant is reported in 0.024% of alleles in individuals of African descent in gnomAD. At this time, the clinical significance of this variant is uncertain due to the absence of conclusive functional and genetic evidence.

Labcorp Genetics (formerly Invitae), Labcorp
Classification: Uncertain significance for Charcot-Marie-Tooth disease type 4. Last evaluated: 2022-02-06. Review status: criteria provided, single submitter. Criteria: Invitae Variant Classification Sherloc (09022015). Collection method: clinical testing. Allele origin: germline.
Comment: This sequence change replaces lysine, which is basic and polar, with glutamic acid, which is acidic and polar, at codon 502 of the FIG4 protein (p.Lys502Glu). This variant is present in population databases (rs377415632, gnomAD 0.02%). This variant has not been reported in the literature in individuals affected with FIG4-related conditions. Algorithms developed to predict the effect of missense changes on protein structure and function are either unavailable or do not agree on the potential impact of this missense change (SIFT: "Deleterious"; PolyPhen-2: "Probably Damaging"; Align-GVGD: "Class C0"). In summary, the available evidence is currently insufficient to determine the role of this variant in disease. Therefore, it has been classified as a Variant of Uncertain Significance.

NM_014845.6(FIG4):c.1504A>G (p.Lys502Glu)

Gene: FIG4 (FIG4 phosphoinositide 5-phosphatase; plus strand). Cytogenetic location: 6q21.
Variant type: single nucleotide variant.
Coding change: c.1504A>G on transcript NM_014845.6 (MANE Select); coding-DNA position 1504, A replaced by G.
Protein change: p.Lys502Glu; replaces lysine 502 with glutamic acid.
Molecular consequence: missense variant.
Genome position (GRCh38, 1-based): chr6:109,765,082, A>G. VCF-style: chr6-109765082-A-G. GRCh37 (hg19) VCF-style: chr6-110086285-A-G.
Other names: short protein forms K502E.
Identifiers: ClinVar variation 2168530 (VCV002168530.2), dbSNP rs377415632, ClinGen allele CA3956110.